The following is an entry in ClinVar:

NM_018263.6(ASXL2):c.3816G>T (p.Gln1272His)

Gene: ASXL2 (ASXL transcriptional regulator 2; minus strand). Cytogenetic location: 2p23.3.
Variant type: single nucleotide variant.
Coding change: c.3816G>T on transcript NM_018263.6 (MANE Select); coding-DNA position 3816, G replaced by T.
Protein change: p.Gln1272His; replaces glutamine 1272 with histidine.
Molecular consequence: missense variant.
Genome position (GRCh38, 1-based): chr2:25,742,521, C>A on the plus strand (G>T on the coding strand, the complement: ASXL2 is on the minus strand). VCF-style: chr2-25742521-C-A. GRCh37 (hg19) VCF-style: chr2-25965390-C-A.
Other names: c.3642G>T, p.Gln1214His (NM_001369346.1); c.3036G>T, p.Gln1012His (NM_001369347.1); c.3816G>T (NM_018263.4); short protein forms Q1214H, Q1012H, Q1272H.
Identifiers: ClinVar variation 2138515 (VCV002138515.7), dbSNP rs776161059, ClinGen allele CA1557419.

ClinVar aggregate classification (germline): Conflicting classifications of pathogenicity. Review status: criteria provided, conflicting classifications (1 of 4 stars). 3 submissions from 3 submitters: Uncertain significance (2); Likely benign (1). Last evaluated 2025-10-31.

Conditions:
ASXL2-related disorder. Also called: ASXL2-related condition.
Inborn genetic diseases. Identifiers: MedGen C0950123, MeSH D030342.
Shashi-Pena syndrome (SHAPNS). Identifiers: Orphanet 689408, MedGen C4310672, MONDO:0014963, OMIM 617190.

gnomAD v4.1: 113 of 1,613,856 alleles (0.007%); highest among the groups gnomAD compares: Non-Finnish European, 0.0089%; no homozygotes.

Submissions (3):

PreventionGenetics, part of Exact Sciences
Classification: Uncertain significance for ASXL2-related condition. Last evaluated: 2025-10-31. Review status: criteria provided, single submitter. Criteria: ACMG Guidelines, 2015. Collection method: clinical testing. Allele origin: germline.
Comment: The ASXL2 c.3816G>T variant is predicted to result in the amino acid substitution p.Gln1272His. To our knowledge, this variant has not been reported in the literature. This variant is reported in 0.0086% of alleles in individuals of European (Non-Finnish) descent in gnomAD. At this time, the clinical significance of this variant is uncertain due to the absence of conclusive functional and genetic evidence.

Ambry Genetics
Classification: Likely benign for Inborn genetic diseases. Last evaluated: 2025-05-14. Review status: criteria provided, single submitter. Criteria: Ambry Variant Classification Scheme 2023. Collection method: clinical testing. Allele origin: germline.

Labcorp Genetics (formerly Invitae), Labcorp
Classification: Uncertain significance. Last evaluated: 2022-06-29. Review status: criteria provided, single submitter. Criteria: Invitae Variant Classification Sherloc (09022015). Collection method: clinical testing. Allele origin: germline.
Comment: This variant has not been reported in the literature in individuals affected with ASXL2-related conditions. In summary, the available evidence is currently insufficient to determine the role of this variant in disease. Therefore, it has been classified as a Variant of Uncertain Significance. Algorithms developed to predict the effect of missense changes on protein structure and function are either unavailable or do not agree on the potential impact of this missense change (SIFT: "Deleterious"; PolyPhen-2: "Not Available"; Align-GVGD: "Class C0"). This variant is present in population databases (rs776161059, gnomAD 0.009%). This sequence change replaces glutamine, which is neutral and polar, with histidine, which is basic and polar, at codon 1272 of the ASXL2 protein (p.Gln1272His).